The following is an entry in ClinVar:

NM_000440.3(PDE6A):c.2038A>G (p.Met680Val)

Gene: PDE6A (phosphodiesterase 6A; minus strand). Cytogenetic location: 5q32.
Variant type: single nucleotide variant.
Coding change: c.2038A>G on transcript NM_000440.3 (MANE Select); coding-DNA position 2038, A replaced by G.
Protein change: p.Met680Val; replaces methionine 680 with valine.
Molecular consequence: missense variant.
Genome position (GRCh38, 1-based): chr5:149,883,526, T>C on the plus strand (A>G on the coding strand, the complement: PDE6A is on the minus strand). VCF-style: chr5-149883526-T-C. GRCh37 (hg19) VCF-style: chr5-149263089-T-C.
Other names: short protein forms M680V.
Identifiers: ClinVar variation 422419 (VCV000422419.20), dbSNP rs148598583, ClinGen allele CA3504419.

ClinVar aggregate classification (germline): Conflicting classifications of pathogenicity. Review status: criteria provided, conflicting classifications (1 of 4 stars). 6 submissions from 6 submitters: Uncertain significance (4); Likely benign (2). Last evaluated 2025-12-16.

Conditions:
PDE6A-related disorder. Also called: PDE6A-related condition.
Inborn genetic diseases. Identifiers: MedGen C0950123, MeSH D030342.
Retinitis pigmentosa (RP). Identifiers: Orphanet 791, MedGen C0035334, MeSH D012174, MONDO:0019200, OMIM 268000. Inheritance: Autosomal dominant, autosomal recessive and X linked inheritance.

Allele frequency attached by ClinVar (database versions not stated): gnomAD 0.00092 and 0.00094; 1000 Genomes Project 0.00100; ESP Exome Variant Server 0.00123; 1000 Genomes Project 30x 0.00141; gnomAD exomes 0.00024; ExAC 0.00030; TOPMed 0.00088.

Submissions (6):

Labcorp Genetics (formerly Invitae), Labcorp
Classification: Likely benign. Last evaluated: 2025-12-16. Review status: criteria provided, single submitter. Criteria: Invitae Variant Classification Sherloc (09022015). Collection method: clinical testing. Allele origin: germline.

PreventionGenetics, part of Exact Sciences
Classification: Likely benign for PDE6A-related condition. Last evaluated: 2025-02-12. Review status: criteria provided, single submitter. Criteria: ACMG Guidelines, 2015. Collection method: clinical testing. Allele origin: germline.
Comment: This variant is classified as likely benign based on ACMG/AMP sequence variant interpretation guidelines (Richards et al. 2015 PMID: 25741868, with internal and published modifications).

Ambry Genetics
Classification: Uncertain significance for Inborn genetic diseases. Last evaluated: 2024-11-20. Review status: criteria provided, single submitter. Criteria: Ambry Variant Classification Scheme 2023. Collection method: clinical testing. Allele origin: germline.

Blueprint Genetics
Classification: Uncertain significance. Last evaluated: 2024-06-05. Review status: criteria provided, single submitter. Criteria: ACMG Guidelines, 2015. Collection method: clinical testing. Allele origin: germline.

Illumina Laboratory Services, Illumina
Classification: Uncertain significance for Retinitis pigmentosa. Last evaluated: 2018-01-13. Review status: criteria provided, single submitter. Criteria: ICSL Variant Classification Criteria 13 December 2019. Collection method: clinical testing. Allele origin: germline.

GeneDx
Classification: Uncertain significance. Last evaluated: 2016-10-10. Review status: criteria provided, single submitter. Criteria: GeneDx Variant Classification (06012015). Collection method: clinical testing. Allele origin: germline. Affected: yes.
Comment: The M680V variant in the PDE6A gene has not been reported previously as a pathogenic variant, nor as a benign variant, to our knowledge. The M680V variant is observed in 15/4406 alleles (0.34%) from individuals of African American background in the NHLBI Exome Sequencing Project (Exome Variant Server). The M680V variant is a conservative amino acid substitution, which is not likely to impact secondary protein structure as these residues share similar properties. However, this substitution occurs at a position that is conserved across species, and in silico analysis predicts this variant is probably damaging to the protein structure/function. We interpret M680V as a variant of uncertain significance.